The following is an entry in ClinVar:

NM_177438.3(DICER1):c.4051-1G>C

Gene: DICER1 (dicer 1, ribonuclease III; minus strand). Cytogenetic location: 14q32.13.
Variant type: single nucleotide variant.
Coding change: c.4051-1G>C on transcript NM_177438.3 (MANE Select); the canonical splice acceptor site of the intron before coding-DNA position 4051, G replaced by C.
Molecular consequence: splice acceptor variant.
Genome position (GRCh38, 1-based): chr14:95,099,936, C>G on the plus strand (G>C on the coding strand, the complement: DICER1 is on the minus strand). VCF-style: chr14-95099936-C-G. GRCh37 (hg19) VCF-style: chr14-95566273-C-G.
Other names: c.4051-1G>C (NM_001291628.2, NM_030621.4, NM_001395677.1 and 12 more transcripts); c.3646-1G>C (NM_001395690.1, NM_001395687.1, NM_001395689.1 and 2 more transcripts); c.3769-1G>C (NM_001395686.1); c.3484-1G>C (NM_001395691.1); c.2368-1G>C (NM_001395697.1).
Identifiers: ClinVar variation 4011664 (VCV004011664.1).

ClinVar aggregate classification (germline): Uncertain significance (1 of 4 stars; one submission).

Conditions:
Hereditary cancer-predisposing syndrome. Also called: Tumor predisposition; Hereditary neoplastic syndrome; Neoplastic Syndromes, Hereditary; Hereditary Cancer Syndrome. Identifiers: Orphanet 140162, MedGen C0027672, MeSH D009386, MONDO:0015356.

Submission:

Ambry Genetics
Classification: Uncertain significance for Hereditary cancer-predisposing syndrome. Last evaluated: 2025-06-05. Review status: criteria provided, single submitter. Criteria: Ambry Variant Classification Scheme 2023. Collection method: clinical testing. Allele origin: germline.
Comment: The c.4051-1G>C intronic variant results from a G to C substitution one nucleotide upstream from coding exon 21 of the DICER1 gene. Alterations that disrupt the canonical splice site are expected to result in aberrant splicing. In silico splice site analysis predicts that this alteration will weaken the native splice acceptor site and will result in the creation or strengthening of a novel splice acceptor site. A resulting transcript is predicted to be in-frame and is not expected to trigger nonsense-mediated mRNAdecay; although, direct evidence is unavailable. This nucleotide position is highly conserved in available vertebrate species. Based on the available evidence, the clinical significance of this variant remains unclear.